The following is an entry in ClinVar:

ClinVar aggregate classification (germline): Pathogenic (3 of 4 stars; one submission).

Conditions:
Phenylketonuria (PKU). Also called: FOLLING DISEASE; Phenylketonuria (PKU); OLIGOPHRENIA PHENYLPYRUVICA; Phenylketonurias. Identifiers: Orphanet 716, MedGen C0031485, MONDO:0009861, OMIM 261600. Disease mechanism: loss of function.

Submission:

ClinGen PAH Variant Curation Expert Panel
Classification: Pathogenic for Phenylketonuria. Last evaluated: 2019-04-04. Review status: reviewed by expert panel. Criteria: ClinGen PAH ACMG Specifications v1. Collection method: curation. Allele origin: germline. Inheritance: Autosomal recessive inheritance.
Comment: The variant is a frameshift variant which occurs in exon 3 of 13 in the in the canonical transcript of PAH, a gene fulfilling the most recent criteria for LOF being a known disease mechanism (see PMID: 30192042) (PVS1). It is absent from control databases including ethnically matched individuals, including gnomAD/ExAC, 1000 Genomes, and ESP (PM2). In summary, this variant meets criteria to be classified as pathogenic for PAH. PAH-specific ACMG/AMP criteria applied: PVS1, PM2, PP4_Moderate.

Literature cited by the submitters: PubMed 23271928; PubMed 25863075.

NM_000277.3(PAH):c.189_190dup (p.His64fs)

Gene: PAH (phenylalanine hydroxylase; minus strand). Cytogenetic location: 12q23.2.
Variant type: Duplication.
Coding change: c.189_190dup on transcript NM_000277.3 (MANE Select); coding-DNA positions 189 to 190, 2 bases duplicated (CC; older notation c.189_190dupCC).
Protein change: p.His64fs; shifts the reading frame from histidine 64.
Molecular consequence: frameshift variant.
Genome position (GRCh38, 1-based): chr12:102,894,897-102,894,898, GG duplicated on the plus strand (CC on the coding strand, the reverse complement: PAH is on the minus strand); duplicating any 2 consecutive bases within chr12:102,894,897-102,894,899 gives the same sequence; the c. name uses the placement nearest the transcript's 3' end. VCF-style (leftmost placement, unchanged base first): chr12-102894896-T-TGG. GRCh37 (hg19) VCF-style: chr12-103288674-T-TGG.
Other names: c.189_190dup, p.His64fs (NM_001354304.2); short protein forms H64fs.
Identifiers: ClinVar variation 805813 (VCV000805813.1), dbSNP rs672601294, ClinGen allele CA913184978.
Genomic context (GRCh38, chr12:102,894,896, plus strand): 5'-TCCAAATGGGTGAAAAATTCATACTCATCTTTCTTTAAACGAGAAGGTCTAGATTCAATG[T>TGG]GGGTCAGGTTTACATCATTCTCCTAGAAGAGAGAATGGGGAGGGTGAGGAGACAGTCACT-3'